The following is an entry in ClinVar:

ClinVar aggregate classification (germline): Conflicting classifications of pathogenicity. Review status: criteria provided, conflicting classifications (1 of 4 stars). 5 submissions from 5 submitters: Likely pathogenic (1); Uncertain significance (3). 1 of the submissions does not count toward it. Last evaluated 2026-05-20.

Conditions:
Schimke immuno-osseous dysplasia (SIOD). Also called: Schimke Immunoosseous Dysplasia. Identifiers: Orphanet 1830, MedGen C0877024, MONDO:0009458, OMIM 242900.
Osteosarcoma. Also called: Osteosarcoma (disease). Identifiers: MedGen C0029463, MeSH D012516, MONDO:0009807, HP:0002669.

Allele frequency attached by ClinVar (database versions not stated): ExAC 0.00002; gnomAD exomes 0.00005 and 0.00007; ESP Exome Variant Server 0.00008; TOPMed 0.00008; gnomAD 0.00011.
gnomAD v4.1: 114 of 1,613,988 alleles (0.0071%); highest among the groups gnomAD compares: Non-Finnish European, 0.0092%; no homozygotes.

Submissions (5):

Zero Childhood Cancer Program, Children's Cancer Institute
Classification: Likely pathogenic for Osteosarcoma. Last evaluated: 2026-05-20. Review status: criteria provided, single submitter. Criteria: Zero Childhood Cancer Program Assertion Criteria November2025. Collection method: research. Allele origin: germline. Inheritance: Autosomal dominant inheritance. Affected: yes.
Comment: The c.2401T>G (p.Phe801Val) missense variant is located in exon 15 of 18 of SMARCAL1. This variant is rare in GnomAD v4 (frequency of 0.0000517) (PM2_supporting). There is a ClinVar entry for this variant (VCV000645077.41, 2 star review status) with 4 submitters classifying the variant as uncertain significance. The REVEL computational prediction analysis tool produced a score of 0.93, which is above the threshold necessary to apply PP3 (PP3_Strong). This variant is situated within the critical functional helicase domain of SMARCAL1 (PM1_supporting) and has been reported in a patient diagnosed with osteosarcoma (PMID: 40463577). This variant is homozygous in the patient’s tumour sample due to segmental copy-neutral loss of heterozygosity of chromosome 2q (PS3_Supporting, internal data). For these reasons, this variant has been classified as likely pathogenic.

Labcorp Genetics (formerly Invitae), Labcorp
Classification: Uncertain significance for Schimke immuno-osseous dysplasia. Last evaluated: 2024-01-22. Review status: criteria provided, single submitter. Criteria: Invitae Variant Classification Sherloc (09022015). Collection method: clinical testing. Allele origin: germline.
Comment: This sequence change replaces phenylalanine, which is neutral and non-polar, with valine, which is neutral and non-polar, at codon 801 of the SMARCAL1 protein (p.Phe801Val). This variant is present in population databases (rs200679534, gnomAD 0.01%). This variant has not been reported in the literature in individuals affected with SMARCAL1-related conditions. ClinVar contains an entry for this variant (Variation ID: 645077). Advanced modeling of protein sequence and biophysical properties (such as structural, functional, and spatial information, amino acid conservation, physicochemical variation, residue mobility, and thermodynamic stability) performed at Invitae indicates that this missense variant is expected to disrupt SMARCAL1 protein function with a positive predictive value of 80%. In summary, the available evidence is currently insufficient to determine the role of this variant in disease. Therefore, it has been classified as a Variant of Uncertain Significance.

Fulgent Genetics
Classification: Uncertain significance for Schimke immuno-osseous dysplasia. Last evaluated: 2021-11-11. Review status: criteria provided, single submitter. Criteria: ACMG Guidelines, 2015. Collection method: clinical testing. Allele origin: unknown.

CeGaT Center for Human Genetics Tuebingen
Classification: Uncertain significance. Last evaluated: 2020-12-01. Review status: criteria provided, single submitter. Criteria: CeGaT Center For Human Genetics Tuebingen Variant Classification Criteria Version 2. Collection method: clinical testing. Allele origin: germline. Affected: yes. Observed: 1 variant allele.

Natera, Inc.
Classification: Uncertain significance for Schimke immuno-osseous dysplasia. Last evaluated: 2020-01-17. Review status: no assertion criteria provided. Collection method: clinical testing. Allele origin: germline. Not counted in ClinVar's aggregate classification.

Literature cited by the submitters: PubMed 40463577 (cited by Zero Childhood Cancer Program, Children's Cancer Institute).

NM_014140.4(SMARCAL1):c.2401T>G (p.Phe801Val)

Gene: SMARCAL1 (SNF2 related chromatin remodeling annealing helicase 1; plus strand). Cytogenetic location: 2q35.
Variant type: single nucleotide variant.
Coding change: c.2401T>G on transcript NM_014140.4 (MANE Select); coding-DNA position 2401, T replaced by G.
Protein change: p.Phe801Val; replaces phenylalanine 801 with valine.
Molecular consequence: missense variant.
Genome position (GRCh38, 1-based): chr2:216,475,425, T>G. VCF-style: chr2-216475425-T-G. GRCh37 (hg19) VCF-style: chr2-217340148-T-G.
Other names: c.2401T>G, p.Phe801Val (NM_001127207.2); short protein forms F801V.
Identifiers: ClinVar variation 645077 (VCV000645077.45), dbSNP rs200679534, ClinGen allele CA2098187.
Genomic context (GRCh38, chr2:216,475,425, plus strand): 5'-GTGCTGTCCATCACCGCTGCCAATATGGGCCTCACCTTCTCCTCGGCTGACCTGGTGGTG[T>G]TTGCTGAGCTGTTTTGGAACCCAGGGGTAAGAGACGCAGAAGACTCAGATACTCCCCAGG-3'
Protein context (NP_054859.2, residues 791-811): LTFSSADLVV[Phe801Val]AELFWNPGVL